The following is an entry in ClinVar:

ClinVar aggregate classification (germline): Uncertain significance. Review status: criteria provided, multiple submitters, no conflicts (2 of 4 stars). 4 submissions from 4 submitters: Uncertain significance (4). Last evaluated 2025-12-02.

Conditions:
Hyperkalemic periodic paralysis. Also called: Gamstorp disease; Familial hyperkalemic periodic paralysis. Identifiers: Orphanet 682, MedGen C0238357, MONDO:0008224, OMIM 170500, HP:0007215.

Allele frequency attached by ClinVar (database versions not stated): TOPMed 0.00005; gnomAD exomes 0.00002; gnomAD 0.00003 and 0.00004; ExAC 0.00005.
gnomAD v4.1: 42 of 1,596,512 alleles (0.0026%); highest among the groups gnomAD compares: African/African-American, 0.0054%; no homozygotes.

Submissions (4):

Labcorp Genetics (formerly Invitae), Labcorp
Classification: Uncertain significance for Hyperkalemic periodic paralysis. Last evaluated: 2025-12-02. Review status: criteria provided, single submitter. Criteria: Invitae Variant Classification Sherloc (09022015). Collection method: clinical testing. Allele origin: germline.
Comment: This sequence change replaces glutamic acid, which is acidic and polar, with lysine, which is basic and polar, at codon 986 of the SCN4A protein (p.Glu986Lys). The frequency data for this variant in the population databases is considered unreliable, as metrics indicate poor data quality at this position in the gnomAD database. This variant has not been reported in the literature in individuals affected with SCN4A-related conditions. ClinVar contains an entry for this variant (Variation ID: 448268). Invitae Evidence Modeling of protein sequence and biophysical properties (such as structural, functional, and spatial information, amino acid conservation, physicochemical variation, residue mobility, and thermodynamic stability) indicates that this missense variant is not expected to disrupt SCN4A protein function with a negative predictive value of 95%. In summary, the available evidence is currently insufficient to determine the role of this variant in disease. Therefore, it has been classified as a Variant of Uncertain Significance.

Mayo Clinic Laboratories, Mayo Clinic
Classification: Uncertain significance. Last evaluated: 2023-01-12. Review status: criteria provided, single submitter. Criteria: ACMG Guidelines, 2015. Collection method: clinical testing. Allele origin: germline. Observed: 1 variant allele.

Revvity Omics, Revvity
Classification: Uncertain significance. Last evaluated: 2022-12-05. Review status: criteria provided, single submitter. Criteria: ACMG Guidelines, 2015. Collection method: clinical testing. Allele origin: germline.

Athena Diagnostics
Classification: Uncertain significance. Last evaluated: 2017-02-03. Review status: criteria provided, single submitter. Criteria: Athena Diagnostics Criteria. Collection method: clinical testing. Allele origin: germline.

NM_000334.4(SCN4A):c.2956G>A (p.Glu986Lys)

Genes: GH-LCR (growth hormone locus control region; plus strand), SCN4A (sodium voltage-gated channel alpha subunit 4; minus strand). Cytogenetic location: 17q23.3.
Variant type: single nucleotide variant.
Coding change: c.2956G>A on transcript NM_000334.4 (MANE Select); coding-DNA position 2956, G replaced by A.
Protein change: p.Glu986Lys; replaces glutamic acid 986 with lysine.
Molecular consequence: missense variant.
Genome position (GRCh38, 1-based): chr17:63,949,426, C>T on the plus strand (G>A on the coding strand, the complement: SCN4A is on the minus strand). VCF-style: chr17-63949426-C-T. GRCh37 (hg19) VCF-style: chr17-62026786-C-T.
Other names: short protein forms E986K.
Identifiers: ClinVar variation 448268 (VCV000448268.13), dbSNP rs369128679, ClinGen allele CA8709444.